The following is an entry in ClinVar:

ClinVar aggregate classification (germline): Uncertain significance (1 of 4 stars; one submission).

Conditions:
Walker-Warburg congenital muscular dystrophy. Also called: Muscular dystrophy-dystroglycanopathy, type A; Walker-Warburg syndrome. Identifiers: Orphanet 899, MedGen C0265221, MONDO:0000171.

Allele frequency attached by ClinVar (database versions not stated): gnomAD exomes below 0.00001 and 0.00001; gnomAD 0.00001.
gnomAD v4.1: 2 of 1,612,170 alleles (0.00012%); highest among the groups gnomAD compares: South Asian, 0.0022%; no homozygotes.

Submission:

Labcorp Genetics (formerly Invitae), Labcorp
Classification: Uncertain significance for Walker-Warburg congenital muscular dystrophy. Last evaluated: 2021-07-04. Review status: criteria provided, single submitter. Criteria: Invitae Variant Classification Sherloc (09022015). Collection method: clinical testing. Allele origin: germline.
Comment: This sequence change replaces alanine with threonine at codon 384 of the FKTN protein (p.Ala384Thr). The alanine residue is highly conserved and there is a small physicochemical difference between alanine and threonine. This variant is not present in population databases (ExAC no frequency). This variant has not been reported in the literature in individuals affected with FKTN-related conditions. Algorithms developed to predict the effect of missense changes on protein structure and function are either unavailable or do not agree on the potential impact of this missense change (SIFT: "Deleterious"; PolyPhen-2: "Probably Damaging"; Align-GVGD: "Class C0"). In summary, the available evidence is currently insufficient to determine the role of this variant in disease. Therefore, it has been classified as a Variant of Uncertain Significance.

NM_001079802.2(FKTN):c.1150G>A (p.Ala384Thr)

Gene: FKTN (fukutin; plus strand). Cytogenetic location: 9q31.2.
Variant type: single nucleotide variant.
Coding change: c.1150G>A on transcript NM_001079802.2 (MANE Select); coding-DNA position 1150, G replaced by A.
Protein change: p.Ala384Thr; replaces alanine 384 with threonine.
Molecular consequence: missense variant. On other transcripts: non-coding transcript variant (2).
Genome position (GRCh38, 1-based): chr9:105,620,039, G>A. VCF-style: chr9-105620039-G-A. GRCh37 (hg19) VCF-style: chr9-108382320-G-A.
Other names: c.1150G>A, p.Ala384Thr (NM_001198963.2, NM_001351496.2, NM_001351498.2 and 1 more transcripts); c.1081G>A, p.Ala361Thr (NM_001351497.2); c.754G>A, p.Ala252Thr (NM_001351499.2, NM_001351500.2, NM_001351501.2 and 1 more transcripts); short protein forms A361T, A252T, A384T.
Identifiers: ClinVar variation 1365699 (VCV001365699.8), dbSNP rs1343750016, ClinGen allele CA374377936.